The following is an entry in ClinVar:

NM_005356.5(LCK):c.853T>C (p.Phe285Leu)

Gene: LCK (LCK proto-oncogene, Src family tyrosine kinase; plus strand). Cytogenetic location: 1p35.2.
Variant type: single nucleotide variant.
Coding change: c.853T>C on transcript NM_005356.5 (MANE Select); coding-DNA position 853, T replaced by C.
Protein change: p.Phe285Leu; replaces phenylalanine 285 with leucine.
Molecular consequence: missense variant.
Genome position (GRCh38, 1-based): chr1:32,276,675, T>C. VCF-style: chr1-32276675-T-C. GRCh37 (hg19) VCF-style: chr1-32742276-T-C.
Other names: c.853T>C, p.Phe285Leu (NM_001042771.3); c.700T>C, p.Phe234Leu (NM_001330468.2); short protein forms F285L, F234L.
Identifiers: ClinVar variation 1969501 (VCV001969501.5), dbSNP rs2521668654, ClinGen allele CA339639710.

ClinVar aggregate classification (germline): Uncertain significance (1 of 4 stars; one submission).

Conditions:
Severe combined immunodeficiency due to LCK deficiency. Also called: Immunodeficiency 22. Identifiers: Orphanet 280142, MedGen C4014233, MONDO:0014334, OMIM 615758.

Submission:

Labcorp Genetics (formerly Invitae), Labcorp
Classification: Uncertain significance for Severe combined immunodeficiency due to LCK deficiency. Last evaluated: 2022-08-06. Review status: criteria provided, single submitter. Criteria: Invitae Variant Classification Sherloc (09022015). Collection method: clinical testing. Allele origin: germline.
Comment: This sequence change replaces phenylalanine, which is neutral and non-polar, with leucine, which is neutral and non-polar, at codon 285 of the LCK protein (p.Phe285Leu). This variant is not present in population databases (gnomAD no frequency). This variant has not been reported in the literature in individuals affected with LCK-related conditions. Algorithms developed to predict the effect of missense changes on protein structure and function are either unavailable or do not agree on the potential impact of this missense change (SIFT: "Deleterious"; PolyPhen-2: "Probably Damaging"; Align-GVGD: "Class C15"). In summary, the available evidence is currently insufficient to determine the role of this variant in disease. Therefore, it has been classified as a Variant of Uncertain Significance.